The following is an entry in ClinVar:

NM_080552.3(SLC32A1):c.857_891del (p.Leu286fs)

Gene: SLC32A1 (solute carrier family 32 member 1; plus strand). Cytogenetic location: 20q11.23.
Variant type: Deletion.
Coding change: c.857_891del on transcript NM_080552.3 (MANE Select); coding-DNA positions 857 to 891, 35 bases deleted.
Protein change: p.Leu286fs; shifts the reading frame from leucine 286.
Molecular consequence: frameshift variant.
Genome position (GRCh38, 1-based): chr20:38,727,918-38,727,952, 35 bases deleted; deleting any 35 consecutive bases within chr20:38,727,915-38,727,952 gives the same sequence; the c. name uses the placement nearest the transcript's 3' end. GRCh37 (hg19): chr20:37,356,561-37,356,595.
Other names: short protein forms L286fs.
Identifiers: ClinVar variation 3391686 (VCV003391686.1).

ClinVar aggregate classification (germline): Uncertain significance (1 of 4 stars; one submission).

Submission:

GeneDx
Classification: Uncertain significance. Last evaluated: 2024-06-23. Review status: criteria provided, single submitter. Criteria: GeneDx Variant Classification Process June 2021. Collection method: clinical testing. Allele origin: germline. Affected: yes.
Comment: Not observed at significant frequency in large population cohorts (gnomAD); Has not been previously published as pathogenic or benign to our knowledge; Frameshift variant predicted to result in abnormal protein length as the last 240 amino acids are replaced with 75 different amino acids in a gene for which loss-of-function is not an established mechanism of disease